The following is an entry in ClinVar:

NM_022455.5(NSD1):c.4411C>T (p.Arg1471Ter)

Gene: NSD1 (nuclear receptor binding SET domain protein 1; plus strand). Cytogenetic location: 5q35.3.
Variant type: single nucleotide variant.
Coding change: c.4411C>T on transcript NM_022455.5 (MANE Select); coding-DNA position 4411, C replaced by T.
Protein change: p.Arg1471Ter; replaces arginine 1471 with a stop codon.
Molecular consequence: nonsense.
Genome position (GRCh38, 1-based): chr5:177,246,710, C>T. VCF-style: chr5-177246710-C-T. GRCh37 (hg19) VCF-style: chr5-176673711-C-T.
Other names: c.3538C>T, p.Arg1180Ter (NM_001409309.1, NM_001365684.2, NM_001409306.1 and 3 more transcripts); c.4411C>T, p.Arg1471Ter (NM_001409301.1, NM_001409302.1, NM_001409303.1); c.3991C>T, p.Arg1331Ter (NM_001409304.1); c.3658C>T, p.Arg1220Ter (NM_001409305.1); short protein forms R1471*, R1202*, R1220*, R1331*, R1180*.
Identifiers: ClinVar variation 159330 (VCV000159330.21), dbSNP rs570278338, ClinGen allele CA294880.

ClinVar aggregate classification (germline): Pathogenic. Review status: criteria provided, multiple submitters, no conflicts (2 of 4 stars). 5 submissions from 5 submitters: Pathogenic (5). Last evaluated 2025-04-04.

Conditions:
Sotos syndrome (SOTOS). Also called: Distinctive facial appearance, overgrowth in childhood, and learning disabilities or delayed development; CEREBRAL GIGANTISM; Sotos' syndrome; CHROMOSOME 5q35 DELETION SYNDROME; SOTOS SYNDROME 1. Identifiers: Orphanet 821, MedGen C0175695, MONDO:0019349, OMIM 117550.

Submissions (5):

Labcorp Genetics (formerly Invitae), Labcorp
Classification: Pathogenic. Last evaluated: 2025-04-04. Review status: criteria provided, single submitter. Criteria: Invitae Variant Classification Sherloc (09022015). Collection method: clinical testing. Allele origin: germline.
Comment: This sequence change creates a premature translational stop signal (p.Arg1471*) in the NSD1 gene. It is expected to result in an absent or disrupted protein product. Loss-of-function variants in NSD1 are known to be pathogenic (PMID: 12464997, 14571271, 15942875, 16247291). This variant is not present in population databases (gnomAD no frequency). This premature translational stop signal has been observed in individual(s) with Sotos syndrome (PMID: 12464997). ClinVar contains an entry for this variant (Variation ID: 159330). For these reasons, this variant has been classified as Pathogenic.

GeneDx
Classification: Pathogenic. Last evaluated: 2023-10-17. Review status: criteria provided, single submitter. Criteria: GeneDx Variant Classification Process June 2021. Collection method: clinical testing. Allele origin: germline. Affected: yes.
Comment: Nonsense variant predicted to result in protein truncation or nonsense mediated decay in a gene for which loss of function is a known mechanism of disease; Not observed at significant frequency in large population cohorts (gnomAD); This variant is associated with the following publications: (PMID: 16010675, 15942875, 25525159, 15720303, 12464997)

Genome-Nilou Lab
Classification: Pathogenic for Sotos syndrome. Last evaluated: 2021-07-15. Review status: criteria provided, single submitter. Criteria: ACMG Guidelines, 2015. Collection method: clinical testing. Allele origin: germline. Affected: no.

Revvity Omics, Revvity
Classification: Pathogenic for Sotos syndrome. Last evaluated: 2019-12-02. Review status: criteria provided, single submitter. Criteria: ACMG Guidelines, 2015. Collection method: clinical testing. Allele origin: germline.

Genetic Services Laboratory, University of Chicago
Classification: Pathogenic for Sotos syndrome 1. Last evaluated: 2013-02-08. Review status: criteria provided, single submitter. Criteria: ACMG Guidelines, 2007. Collection method: clinical testing. Allele origin: germline. Inheritance: Autosomal dominant inheritance. Affected: yes.

Literature cited by the submitters: PubMed 12464997 (cited by Labcorp Genetics (formerly Invitae), Labcorp); PubMed 14571271 (cited by Labcorp Genetics (formerly Invitae), Labcorp); PubMed 15942875 (cited by Labcorp Genetics (formerly Invitae), Labcorp); PubMed 16247291 (cited by Labcorp Genetics (formerly Invitae), Labcorp).